The following is an entry in ClinVar:

ClinVar aggregate classification (germline): Pathogenic (1 of 4 stars; one submission).

Submission:

GeneDx
Classification: Pathogenic. Last evaluated: 2017-05-16. Review status: criteria provided, single submitter. Criteria: GeneDx Variant Classification (06012015). Collection method: clinical testing. Allele origin: germline. Affected: yes.
Comment: This duplication of one nucleotide in BRCA1 is denoted c.1760dupT at the cDNA level and p.Ser588LysfsX20 (S588KfsX20) at the protein level. Using alternate nomenclature, this variant would be defined as BRCA1 1879dupT. The normal sequence, with the base that is duplicated in brackets, is CCTA[dupT]AAGC. The duplication causes a frameshift which changes a Serine to a Lysine at codon 588, and creates a premature stop codon at position 20 of the new reading frame. Although this variant has not, to our knowledge, been reported in the literature, it is predicted to cause loss of normal protein function through either protein truncation or nonsense-mediated mRNA decay. We consider this variant to be pathogenic.

NM_007294.4(BRCA1):c.1760dup (p.Ser588fs)

Gene: BRCA1 (BRCA1 DNA repair associated; minus strand). Cytogenetic location: 17q21.31.
Variant type: Duplication.
Coding change: c.1760dup on transcript NM_007294.4 (MANE Select); coding-DNA position 1760, one base duplicated (T; older notation c.1760dupT).
Protein change: p.Ser588fs; shifts the reading frame from serine 588.
Molecular consequence: frameshift variant. On other transcripts: intron variant (137).
Genome position (GRCh38, 1-based): chr17:43,093,771, A duplicated on the plus strand (T on the coding strand, the reverse complement: BRCA1 is on the minus strand). VCF-style (leftmost placement, unchanged base first): chr17-43093770-T-TA. GRCh37 (hg19) VCF-style: chr17-41245787-T-TA.
Other names: c.1760dupT (NM_007294.3); c.1547dup, p.Ser517fs (NM_001407571.1, NM_001407853.1, NM_001407894.1 and 9 more transcripts); c.1760dup, p.Ser588fs (NM_001407581.1, NM_001407582.1, NM_001407583.1 and 30 more transcripts); c.1757dup, p.Ser587fs (NM_001407587.1, NM_001407590.1, NM_001407591.1 and 22 more transcripts); c.1751dup, p.Ser585fs (NM_001407646.1, NM_001407647.1); c.1637dup, p.Ser547fs (NM_001407648.1, NM_001407664.1, NM_001407665.1 and 19 more transcripts); c.1634dup, p.Ser546fs (NM_001407649.1, NM_001407670.1, NM_001407671.1 and 11 more transcripts); c.1682dup, p.Ser562fs (NM_001407653.1, NM_001407654.1, NM_001407655.1 and 4 more transcripts); and 41 more; short protein forms S588fs, S541fs, S460fs, S477fs, S520fs, S561fs, S562fs, S420fs.
Identifiers: ClinVar variation 545790 (VCV000545790.3), dbSNP rs1555591286, ClinGen allele CA658824513.
Genomic context (GRCh38, chr17:43,093,770, plus strand): 5'-TTTAGGTGCTTTTGAATTGTGGATATTTAATTCGAGTTCCATATTGCTTATACTGCTGCT[T>TA]ATAGGTTCAGCTTTCGTTTTGAAAGCAGATTCTTTTTCGAGTGATTCTATTGGGTTAGGA-3'